The following is an entry in ClinVar:

NM_004629.2(FANCG):c.889A>G (p.Thr297Ala)

Gene: FANCG (FA complementation group G; minus strand). Cytogenetic location: 9p13.3.
Variant type: single nucleotide variant.
Coding change: c.889A>G on transcript NM_004629.2 (MANE Select); coding-DNA position 889, A replaced by G.
Protein change: p.Thr297Ala; replaces threonine 297 with alanine.
Molecular consequence: missense variant.
Genome position (GRCh38, 1-based): chr9:35,076,759, T>C on the plus strand (A>G on the coding strand, the complement: FANCG is on the minus strand). VCF-style: chr9-35076759-T-C. GRCh37 (hg19) VCF-style: chr9-35076756-T-C.
Other names: short protein forms T297A.
Identifiers: ClinVar variation 2156873 (VCV002156873.2), dbSNP rs1387115208, ClinGen allele CA373312907.

ClinVar aggregate classification (germline): Conflicting classifications of pathogenicity. Review status: criteria provided, conflicting classifications (1 of 4 stars). 2 submissions from 2 submitters: Uncertain significance (1); Likely benign (1). Last evaluated 2022-07-14.

Conditions:
Fanconi anemia (FA). Also called: Fanconi's anemia. Identifiers: Orphanet 84, MedGen C0015625, MeSH D005199, MONDO:0019391.

Allele frequency attached by ClinVar (database versions not stated): TOPMed below 0.00001; gnomAD exomes 0.00001.
gnomAD v4.1: 4 of 1,614,194 alleles (0.00025%); highest among the groups gnomAD compares: Non-Finnish European, 0.00034%; no homozygotes.

Submissions (2):

Labcorp Genetics (formerly Invitae), Labcorp
Classification: Uncertain significance for Fanconi anemia. Last evaluated: 2022-07-14. Review status: criteria provided, single submitter. Criteria: Invitae Variant Classification Sherloc (09022015). Collection method: clinical testing. Allele origin: germline.
Comment: This sequence change replaces threonine, which is neutral and polar, with alanine, which is neutral and non-polar, at codon 297 of the FANCG protein (p.Thr297Ala). This variant is present in population databases (no rsID available, gnomAD no frequency). This variant has not been reported in the literature in individuals affected with FANCG-related conditions. Algorithms developed to predict the effect of missense changes on protein structure and function output the following: SIFT: "Tolerated"; PolyPhen-2: "Benign"; Align-GVGD: "Class C0". The alanine amino acid residue is found in multiple mammalian species, which suggests that this missense change does not adversely affect protein function. In summary, the available evidence is currently insufficient to determine the role of this variant in disease. Therefore, it has been classified as a Variant of Uncertain Significance.

Blueprint Genetics
Classification: Likely benign. Last evaluated: 2021-07-29. Review status: criteria provided, single submitter. Criteria: ACMG Guidelines, 2015. Collection method: clinical testing. Allele origin: germline.